The following is an entry in ClinVar:

NC_000016.9:g.(?_14031613)_(14031725_?)del

Gene: ERCC4 (ERCC excision repair 4, endonuclease catalytic subunit; plus strand). Cytogenetic location: 16p13.12.
Variant type: Deletion.
Identifiers: ClinVar variation 2425328 (VCV002425328.4).

ClinVar aggregate classification (germline): Uncertain significance (1 of 4 stars; one submission).

Conditions:
Xeroderma pigmentosum, group F (XPF). Also called: XERODERMA PIGMENTOSUM, COMPLEMENTATION GROUP F; XERODERMA PIGMENTOSUM VI; XP, GROUP F; ERCC4-Related Xeroderma Pigmentosum; XERODERMA PIGMENTOSUM, TYPE F; Xeroderma pigmentosum, type 6. Identifiers: MedGen C0268140, MONDO:0010215, OMIM 278760.
Cockayne syndrome. Identifiers: Orphanet 191, MedGen C0009207, MONDO:0016006.
Fanconi anemia complementation group Q. Identifiers: Orphanet 84, MedGen C3808988, MONDO:0014108, OMIM 615272.

Submission:

Labcorp Genetics (formerly Invitae), Labcorp
Classification: Uncertain significance for Fanconi anemia complementation group Q; Xeroderma pigmentosum, group F; Cockayne syndrome. Last evaluated: 2021-11-01. Review status: criteria provided, single submitter. Criteria: Invitae Variant Classification Sherloc (09022015). Collection method: clinical testing. Allele origin: germline.
Comment: This variant is a gross deletion of the genomic region encompassing exon(s) 9 of the ERCC4 gene. This variant would be expected to be in-frame, preserving the integrity of the reading frame. This variant has not been reported in the literature in individuals affected with ERCC4-related conditions. Experimental studies and prediction algorithms are not available or were not evaluated, and the functional significance of this variant is currently unknown. In summary, the available evidence is currently insufficient to determine the role of this variant in disease. Therefore, it has been classified as a Variant of Uncertain Significance.